The following is an entry in ClinVar:

NM_003803.4(MYOM1):c.3014T>A (p.Met1005Lys)

Gene: MYOM1 (myomesin 1; minus strand). Cytogenetic location: 18p11.31.
Variant type: single nucleotide variant.
Coding change: c.3014T>A on transcript NM_003803.4 (MANE Select); coding-DNA position 3014, T replaced by A.
Protein change: p.Met1005Lys; replaces methionine 1005 with lysine.
Molecular consequence: missense variant.
Genome position (GRCh38, 1-based): chr18:3,119,973, A>T on the plus strand (T>A on the coding strand, the complement: MYOM1 is on the minus strand). VCF-style: chr18-3119973-A-T. GRCh37 (hg19) VCF-style: chr18-3119971-A-T.
Other names: c.2726T>A, p.Met909Lys (NM_019856.2); short protein forms M909K, M1005K.
Identifiers: ClinVar variation 2713502 (VCV002713502.4), dbSNP rs765966861, ClinGen allele CA8874450.
Genomic context (GRCh38, chr18:3,119,973, plus strand): 5'-ACTGCGGAGGGCGCGCCCAGCCCAGCCATGTTCATGGCTGCCACTTGGAACTGATACACC[A>T]TGTTTTCCTTCAAGTTGCTAATCTGCAACATTGACAACATCACAGATACTGAATGTTCCA-3'
Protein context (NP_003794.3, residues 995-1015): AYKISNLKEN[Met1005Lys]VYQFQVAAMN

ClinVar aggregate classification (germline): Uncertain significance. Review status: criteria provided, multiple submitters, no conflicts (2 of 4 stars). 2 submissions from 2 submitters: Uncertain significance (2). Last evaluated 2025-11-12.

Conditions:
Hypertrophic cardiomyopathy. Also called: HYPERTROPHIC MYOCARDIOPATHY. Identifiers: Orphanet 217569, MedGen C0007194, MeSH D002312, MONDO:0005045, HP:0001639.

Allele frequency attached by ClinVar (database versions not stated): ExAC 0.00001; gnomAD 0.00001; gnomAD exomes 0.00001; TOPMed 0.00001.

Submissions (2):

Ambry Genetics
Classification: Uncertain significance. Last evaluated: 2025-11-12. Review status: criteria provided, single submitter. Criteria: Ambry Variant Classification Scheme 2023. Collection method: clinical testing. Allele origin: germline.

Labcorp Genetics (formerly Invitae), Labcorp
Classification: Uncertain significance for Hypertrophic cardiomyopathy. Last evaluated: 2023-05-08. Review status: criteria provided, single submitter. Criteria: Invitae Variant Classification Sherloc (09022015). Collection method: clinical testing. Allele origin: germline.
Comment: In summary, the available evidence is currently insufficient to determine the role of this variant in disease. Therefore, it has been classified as a Variant of Uncertain Significance. Advanced modeling of protein sequence and biophysical properties (such as structural, functional, and spatial information, amino acid conservation, physicochemical variation, residue mobility, and thermodynamic stability) performed at Invitae indicates that this missense variant is not expected to disrupt MYOM1 protein function. This variant has not been reported in the literature in individuals affected with MYOM1-related conditions. This variant is present in population databases (rs765966861, gnomAD 0.003%). This sequence change replaces methionine, which is neutral and non-polar, with lysine, which is basic and polar, at codon 1005 of the MYOM1 protein (p.Met1005Lys).